The following is an entry in ClinVar:

NM_021930.6(RINT1):c.1321G>A (p.Val441Met)

Gene: RINT1 (RAD50 interactor 1; plus strand). Cytogenetic location: 7q22.3.
Variant type: single nucleotide variant.
Coding change: c.1321G>A on transcript NM_021930.6 (MANE Select); coding-DNA position 1321, G replaced by A.
Protein change: p.Val441Met; replaces valine 441 with methionine.
Molecular consequence: missense variant. On other transcripts: non-coding transcript variant (1).
Genome position (GRCh38, 1-based): chr7:105,550,474, G>A. VCF-style: chr7-105550474-G-A. GRCh37 (hg19) VCF-style: chr7-105190921-G-A.
Other names: c.1087G>A, p.Val363Met (NM_001346599.2); c.298G>A, p.Val100Met (NM_001346600.2, NM_001346603.2); c.397G>A, p.Val133Met (NM_001346601.2); short protein forms V441M, V363M, V100M, V133M.
Identifiers: ClinVar variation 410791 (VCV000410791.14), dbSNP rs769583673, ClinGen allele CA4426643.

ClinVar aggregate classification (germline): Uncertain significance. Review status: criteria provided, multiple submitters, no conflicts (2 of 4 stars). 2 submissions from 2 submitters: Uncertain significance (2). Last evaluated 2024-12-06.

Allele frequency attached by ClinVar (database versions not stated): ExAC 0.00002; gnomAD 0.00003 and 0.00004; TOPMed 0.00003.

Submissions (2):

Ambry Genetics
Classification: Uncertain significance. Last evaluated: 2024-12-06. Review status: criteria provided, single submitter. Criteria: Ambry Variant Classification Scheme 2023. Collection method: clinical testing. Allele origin: germline.
Comment: The p.V441M variant (also known as c.1321G>A), located in coding exon 9 of the RINT1 gene, results from a G to A substitution at nucleotide position 1321. The valine at codon 441 is replaced by methionine, an amino acid with highly similar properties. This amino acid position is well conserved in available vertebrate species. In addition, this alteration is predicted to be tolerated by in silico analysis. Since supporting evidence is limited at this time, the clinical significance of this alteration remains unclear.

Labcorp Genetics (formerly Invitae), Labcorp
Classification: Uncertain significance. Last evaluated: 2024-02-24. Review status: criteria provided, single submitter. Criteria: Invitae Variant Classification Sherloc (09022015). Collection method: clinical testing. Allele origin: germline.
Comment: This sequence change replaces valine, which is neutral and non-polar, with methionine, which is neutral and non-polar, at codon 441 of the RINT1 protein (p.Val441Met). This variant is present in population databases (rs769583673, gnomAD 0.004%). This variant has not been reported in the literature in individuals affected with RINT1-related conditions. ClinVar contains an entry for this variant (Variation ID: 410791). Algorithms developed to predict the effect of missense changes on protein structure and function output the following: SIFT: "Not Available"; PolyPhen-2: "Benign"; Align-GVGD: "Not Available". The methionine amino acid residue is found in multiple mammalian species, which suggests that this missense change does not adversely affect protein function. In summary, the available evidence is currently insufficient to determine the role of this variant in disease. Therefore, it has been classified as a Variant of Uncertain Significance.